The following is an entry in ClinVar:

ClinVar aggregate classification (germline): Uncertain significance (1 of 4 stars; one submission).

gnomAD v4.1: 5 of 1,613,886 alleles (0.00031%); highest among the groups gnomAD compares: African/African-American, 0.0027%; no homozygotes.

Submission:

Labcorp Genetics (formerly Invitae), Labcorp
Classification: Uncertain significance. Last evaluated: 2025-11-11. Review status: criteria provided, single submitter. Criteria: Invitae Variant Classification Sherloc (09022015). Collection method: clinical testing. Allele origin: germline.
Comment: This sequence change replaces histidine, which is basic and polar, with arginine, which is basic and polar, at codon 741 of the GANAB protein (p.His741Arg). This variant is present in population databases (rs765642338, gnomAD 0.004%). This variant has not been reported in the literature in individuals affected with GANAB-related conditions. Invitae Evidence Modeling of protein sequence and biophysical properties (such as structural, functional, and spatial information, amino acid conservation, physicochemical variation, residue mobility, and thermodynamic stability) indicates that this missense variant is not expected to disrupt GANAB protein function with a negative predictive value of 80%. In summary, the available evidence is currently insufficient to determine the role of this variant in disease. Therefore, it has been classified as a Variant of Uncertain Significance.

NM_198334.3(GANAB):c.2156A>G (p.His719Arg)

Gene: GANAB (glucosidase II alpha subunit; minus strand). Cytogenetic location: 11q12.3.
Variant type: single nucleotide variant.
Coding change: c.2156A>G on transcript NM_198334.3 (MANE Select); coding-DNA position 2156, A replaced by G.
Protein change: p.His719Arg; replaces histidine 719 with arginine.
Molecular consequence: missense variant.
Genome position (GRCh38, 1-based): chr11:62,628,793, T>C on the plus strand (A>G on the coding strand, the complement: GANAB is on the minus strand). VCF-style: chr11-62628793-T-C. GRCh37 (hg19) VCF-style: chr11-62396265-T-C.
Other names: c.1880A>G, p.His627Arg (NM_001278192.2); c.1814A>G, p.His605Arg (NM_001278193.2); c.1865A>G, p.His622Arg (NM_001278194.2, NM_001329222.2, NM_001329223.2); c.1433A>G, p.His478Arg (NM_001329224.2, NM_001329225.2); c.2222A>G, p.His741Arg (NM_198335.4); short protein forms H627R, H605R, H741R, H478R, H622R, H719R.
Identifiers: ClinVar variation 4707157 (VCV004707157.1).
Genomic context (GRCh38, chr11:62,628,793, plus strand): 5'-TCAGCCCACTCTTCACAGCCCAAGTGAATGCCTCACCTCATGACAGGAATGCCTTCCCGA[T>C]GGGCCTGATATAAGAGGGTGTACCAGAAGGGCAGCAAAGAATATCGCTGGCCCAAGGCAT-3'
Protein context (NP_938148.1, residues 709-729): PFWYTLLYQA[His719Arg]REGIPVMRPL